The following is an entry in ClinVar:

NM_001379270.1(CNGA1):c.298G>T (p.Glu100Ter)

Genes: CNGA1 (cyclic nucleotide gated channel subunit alpha 1; minus strand), LOC101927157 (uncharacterized LOC101927157; plus strand). Cytogenetic location: 4p12.
Variant type: single nucleotide variant.
Coding change: c.298G>T on transcript NM_001379270.1 (MANE Select); coding-DNA position 298, G replaced by T.
Protein change: p.Glu100Ter; replaces glutamic acid 100 with a stop codon.
Molecular consequence: nonsense.
Genome position (GRCh38, 1-based): chr4:47,943,402, C>A on the plus strand (G>T on the coding strand, the complement: CNGA1 is on the minus strand). VCF-style: chr4-47943402-C-A. GRCh37 (hg19) VCF-style: chr4-47945419-C-A.
Other names: c.298G>T, p.Glu100Ter (NM_000087.5, NM_001142564.2); short protein forms E100*.
Identifiers: ClinVar variation 3384703 (VCV003384703.1).
Genomic context (GRCh38, chr4:47,943,402, plus strand): 5'-ATGTGGGGTAATTCTTGCCAAAGTCTTACCTCTTCTTTTCTTTTTTCTTTTTCTTTTTTT[C>A]TTCTGGTTCCCTAAAGAAAAAAATAATATATCTGTCACATAATCACAGTCTTCCACTCTT-3'

ClinVar aggregate classification (germline): Pathogenic (1 of 4 stars; one submission).

Conditions:
Retinitis pigmentosa (RP). Identifiers: Orphanet 791, MedGen C0035334, MeSH D012174, MONDO:0019200, OMIM 268000. Inheritance: Autosomal dominant, autosomal recessive and X linked inheritance.

gnomAD v4.1: 1 of 1,485,834 alleles (0.000067%); highest among the groups gnomAD compares: Non-Finnish European, 0.00009%; no homozygotes.

Submission:

Women's Health and Genetics/Laboratory Corporation of America, LabCorp
Classification: Pathogenic for Retinitis pigmentosa. Last evaluated: 2024-10-14. Review status: criteria provided, single submitter. Criteria: LabCorp Variant Classification Summary - May 2015. Collection method: clinical testing. Allele origin: germline.
Comment: Variant summary: CNGA1 c.298G>T (p.Glu100X) results in a premature termination codon, predicted to cause a truncation of the encoded protein or absence of the protein due to nonsense mediated decay, which are commonly known mechanisms for disease. The variant was absent in 128968 control chromosomes. To our knowledge, no occurrence of c.298G>T in individuals affected with Retinitis Pigmentosa and no experimental evidence demonstrating its impact on protein function have been reported. No submitters have cited clinical-significance assessments for this variant to ClinVar. Based on the evidence outlined above, the variant was classified as pathogenic.